The following is an entry in ClinVar:

ClinVar aggregate classification (germline): Uncertain significance (1 of 4 stars; one submission).

Conditions:
CELSR3-related disorder. Also called: CELSR3-related condition.

gnomAD v4.1: 1 of 1,609,250 alleles (0.000062%); highest among the groups gnomAD compares: South Asian, 0.0011%; no homozygotes.

Submission:

PreventionGenetics, part of Exact Sciences
Classification: Uncertain significance for CELSR3-related condition. Last evaluated: 2024-12-30. Review status: criteria provided, single submitter. Criteria: ACMG Guidelines, 2015. Collection method: clinical testing. Allele origin: germline.
Comment: The CELSR3 c.7579T>C variant is predicted to result in the amino acid substitution p.Ser2527Pro. To our knowledge, this variant has not been reported in the literature or in a large population database (gnomAD), indicating this variant is rare. At this time, the clinical significance of this variant is uncertain due to the absence of conclusive functional and genetic evidence.

NM_001407.3(CELSR3):c.7579T>C (p.Ser2527Pro)

Gene: CELSR3 (cadherin EGF LAG seven-pass G-type receptor 3; minus strand). Cytogenetic location: 3p21.31.
Variant type: single nucleotide variant.
Coding change: c.7579T>C on transcript NM_001407.3 (MANE Select); coding-DNA position 7579, T replaced by C.
Protein change: p.Ser2527Pro; replaces serine 2527 with proline.
Molecular consequence: missense variant.
Genome position (GRCh38, 1-based): chr3:48,645,753, A>G on the plus strand (T>C on the coding strand, the complement: CELSR3 is on the minus strand). VCF-style: chr3-48645753-A-G. GRCh37 (hg19) VCF-style: chr3-48683186-A-G.
Other names: short protein forms S2527P.
Identifiers: ClinVar variation 4988960 (VCV004988960.1).